The following is an entry in ClinVar:

NM_003978.5(PSTPIP1):c.789C>T (p.Ala263=)

Gene: PSTPIP1 (proline-serine-threonine phosphatase interacting protein 1; plus strand). Cytogenetic location: 15q24.3.
Variant type: single nucleotide variant.
Coding change: c.789C>T on transcript NM_003978.5 (MANE Select); coding-DNA position 789, C replaced by T.
Protein change: p.Ala263=; no amino-acid change (alanine 263 retained).
Molecular consequence: synonymous variant.
Genome position (GRCh38, 1-based): chr15:77,032,345, C>T. VCF-style: chr15-77032345-C-T. GRCh37 (hg19) VCF-style: chr15-77324686-C-T.
Other names: c.789C>T, p.Ala263= (NM_001321135.2); c.762C>T, p.Ala254= (NM_001321136.2); c.984C>T, p.Ala328= (NM_001321137.1); c.789C>T (NM_003978.4).
Identifiers: ClinVar variation 1096948 (VCV001096948.14), dbSNP rs201770311, ClinGen allele CA7675982.

ClinVar aggregate classification (germline): Benign/Likely benign. Review status: criteria provided, multiple submitters, no conflicts (2 of 4 stars). 4 submissions from 4 submitters: Benign (1); Likely benign (2). 1 of the submissions does not count toward it. Last evaluated 2025-08-25.

Conditions:
PSTPIP1-related disorder. Also called: PSTPIP1-related condition.
Pyogenic arthritis-pyoderma gangrenosum-acne syndrome (PAPA). Also called: FAMILIAL RECURRENT ARTHRITIS; PAPA SYNDROME. Identifiers: Orphanet 69126, MedGen C1858361, MONDO:0011462, OMIM 604416.

Allele frequency attached by ClinVar (database versions not stated): ExAC 0.00001; gnomAD exomes 0.00002; gnomAD 0.00003.
gnomAD v4.1: 73 of 1,612,506 alleles (0.0045%); highest among the groups gnomAD compares: East Asian, 0.011%; no homozygotes.

Submissions (4):

Labcorp Genetics (formerly Invitae), Labcorp
Classification: Likely benign for Pyogenic arthritis-pyoderma gangrenosum-acne syndrome. Last evaluated: 2025-08-25. Review status: criteria provided, single submitter. Criteria: Invitae Variant Classification Sherloc (09022015). Collection method: clinical testing. Allele origin: germline.

Blueprint Genetics
Classification: Likely benign. Last evaluated: 2024-10-18. Review status: criteria provided, single submitter. Criteria: ACMG Guidelines, 2015. Collection method: clinical testing. Allele origin: germline.

GeneDx
Classification: Benign. Last evaluated: 2015-03-03. Review status: criteria provided, single submitter. Criteria: GeneDx Variant Classification Process June 2021. Collection method: clinical testing. Allele origin: germline. Affected: yes.

PreventionGenetics, part of Exact Sciences
Classification: Likely benign for PSTPIP1-related condition. Last evaluated: 2022-12-30. Review status: no assertion criteria provided. Collection method: clinical testing. Allele origin: germline. Not counted in ClinVar's aggregate classification.
Comment: This variant is classified as likely benign based on ACMG/AMP sequence variant interpretation guidelines (Richards et al. 2015 PMID: 25741868, with internal and published modifications).